The following is an entry in ClinVar:

NM_199420.4(POLQ):c.1868T>A (p.Leu623His)

Gene: POLQ (DNA polymerase theta; minus strand). Cytogenetic location: 3q13.33.
Variant type: single nucleotide variant.
Coding change: c.1868T>A on transcript NM_199420.4 (MANE Select); coding-DNA position 1868, T replaced by A.
Protein change: p.Leu623His; replaces leucine 623 with histidine.
Molecular consequence: missense variant.
Genome position (GRCh38, 1-based): chr3:121,509,652, A>T on the plus strand (T>A on the coding strand, the complement: POLQ is on the minus strand). VCF-style: chr3-121509652-A-T. GRCh37 (hg19) VCF-style: chr3-121228499-A-T.
Other names: short protein forms L623H.
Identifiers: ClinVar variation 1781607 (VCV001781607.3), dbSNP rs200917913, ClinGen allele CA2563424.

ClinVar aggregate classification (germline): Uncertain significance (1 of 4 stars; one submission).

Allele frequency attached by ClinVar (database versions not stated): gnomAD 0.00005; gnomAD exomes 0.00007; TOPMed 0.00008; ExAC 0.00009.
gnomAD v4.1: 118 of 1,613,826 alleles (0.0073%); highest among the groups gnomAD compares: Non-Finnish European, 0.001%; no homozygotes.

Submission:

Ambry Genetics
Classification: Uncertain significance. Last evaluated: 2024-10-18. Review status: criteria provided, single submitter. Criteria: Ambry Variant Classification Scheme 2023. Collection method: clinical testing. Allele origin: germline.
Comment: The p.L623H variant (also known as c.1868T>A), located in coding exon 12 of the POLQ gene, results from a T to A substitution at nucleotide position 1868. The leucine at codon 623 is replaced by histidine, an amino acid with similar properties. This amino acid position is conserved. In addition, this alteration is predicted to be deleterious by in silico analysis. Since supporting evidence is limited at this time, the clinical significance of this alteration remains unclear.